The following is an entry in ClinVar:

NM_000057.4(BLM):c.1840G>A (p.Ala614Thr)

Gene: BLM (BLM RecQ like helicase; plus strand). Cytogenetic location: 15q26.1.
Variant type: single nucleotide variant.
Coding change: c.1840G>A on transcript NM_000057.4 (MANE Select); coding-DNA position 1840, G replaced by A.
Protein change: p.Ala614Thr; replaces alanine 614 with threonine.
Molecular consequence: missense variant.
Genome position (GRCh38, 1-based): chr15:90,761,213, G>A. VCF-style: chr15-90761213-G-A. GRCh37 (hg19) VCF-style: chr15-91304443-G-A.
Other names: c.1840G>A, p.Ala614Thr (NM_001287246.2, NM_001287247.2); c.715G>A, p.Ala239Thr (NM_001287248.2); c.1840G>A (NM_000057.2); short protein forms A239T, A614T.
Identifiers: ClinVar variation 849289 (VCV000849289.14), dbSNP rs1895978868, ClinGen allele CA393843951.
Genomic context (GRCh38, chr15:90,761,213, plus strand): 5'-AAATCAGTATCAGAAAGACTTTCCTCAGCCAAGACAGACTGTCTTCCAGTGTCATCTACT[G>A]CTCAAAATATAAACTTCTCAGAGTCAATTCAGAATTATACTGGTAAGTTTAAAATAAATT-3'
Protein context (NP_000048.1, residues 604-624): KTDCLPVSST[Ala614Thr]QNINFSESIQ

ClinVar aggregate classification (germline): Uncertain significance. Review status: criteria provided, multiple submitters, no conflicts (2 of 4 stars). 4 submissions from 4 submitters: Uncertain significance (3). 1 of the submissions does not count toward it. Last evaluated 2025-07-30.

Conditions:
Bloom syndrome (BLM). Also called: Bloom-Torre-Machacek syndrome. Identifiers: Orphanet 125, MedGen C0005859, MONDO:0008876, OMIM 210900.
Hereditary cancer-predisposing syndrome. Also called: Tumor predisposition; Neoplastic Syndromes, Hereditary; Hereditary neoplastic syndrome; Hereditary Cancer Syndrome. Identifiers: Orphanet 140162, MedGen C0027672, MeSH D009386, MONDO:0015356.

Allele frequency attached by ClinVar (database versions not stated): gnomAD exomes 0.00001.
gnomAD v4.1: 8 of 1,530,124 alleles (0.00052%); highest among the groups gnomAD compares: Non-Finnish European, 0.0007%; no homozygotes.

Submissions (4):

Labcorp Genetics (formerly Invitae), Labcorp
Classification: Uncertain significance for Bloom syndrome. Last evaluated: 2025-07-30. Review status: criteria provided, single submitter. Criteria: Invitae Variant Classification Sherloc (09022015). Collection method: clinical testing. Allele origin: germline.
Comment: This sequence change replaces alanine, which is neutral and non-polar, with threonine, which is neutral and polar, at codon 614 of the BLM protein (p.Ala614Thr). This variant is not present in population databases (gnomAD no frequency). This variant has not been reported in the literature in individuals affected with BLM-related conditions. ClinVar contains an entry for this variant (Variation ID: 849289). Invitae Evidence Modeling of protein sequence and biophysical properties (such as structural, functional, and spatial information, amino acid conservation, physicochemical variation, residue mobility, and thermodynamic stability) indicates that this missense variant is not expected to disrupt BLM protein function with a negative predictive value of 80%. In summary, the available evidence is currently insufficient to determine the role of this variant in disease. Therefore, it has been classified as a Variant of Uncertain Significance.

Ambry Genetics
Classification: Uncertain significance for Hereditary cancer-predisposing syndrome. Last evaluated: 2024-12-15. Review status: criteria provided, single submitter. Criteria: Ambry Variant Classification Scheme 2023. Collection method: clinical testing. Allele origin: germline.
Comment: The p.A614T variant (also known as c.1840G>A), located in coding exon 6 of the BLM gene, results from a G to A substitution at nucleotide position 1840. The alanine at codon 614 is replaced by threonine, an amino acid with similar properties. This amino acid position is conserved. In addition, this alteration is predicted to be tolerated by in silico analysis. Since supporting evidence is limited at this time, the clinical significance of this alteration remains unclear.

Mendelics
Classification: Uncertain significance. Last evaluated: 2022-05-04. Review status: criteria provided, single submitter. Criteria: Mendelics Assertion Criteria 2019. Collection method: clinical testing. Allele origin: germline.

Natera, Inc.
Classification: Uncertain significance for Bloom syndrome. Last evaluated: 2021-04-13. Review status: no assertion criteria provided. Collection method: clinical testing. Allele origin: germline. Not counted in ClinVar's aggregate classification.